The following is an entry in ClinVar:

ClinVar aggregate classification (germline): Conflicting classifications of pathogenicity. Review status: criteria provided, conflicting classifications (1 of 4 stars). 9 submissions from 9 submitters: Uncertain significance (8); Likely benign (1). Last evaluated 2025-11-18.

Conditions:
Hereditary nonpolyposis colorectal neoplasms. Identifiers: MedGen C0009405, MeSH D003123.
Lynch syndrome 5 (LYNCH5). Also called: Hereditary non-polyposis colorectal cancer, type 5; Colorectal cancer, hereditary nonpolyposis, type 5. Identifiers: Orphanet 144, MedGen C1833477, MONDO:0013710, OMIM 614350. Disease mechanism: loss of function.
Endometrial carcinoma. Also called: Endometrial carcinoma, somatic. Identifiers: MedGen C0476089, MONDO:0002447, OMIM 608089, HP:0012114.
Hereditary cancer-predisposing syndrome. Also called: Tumor predisposition; Hereditary neoplastic syndrome; Neoplastic Syndromes, Hereditary; Hereditary Cancer Syndrome. Identifiers: Orphanet 140162, MedGen C0027672, MeSH D009386, MONDO:0015356.

Submissions (9):

Labcorp Genetics (formerly Invitae), Labcorp
Classification: Likely benign for Hereditary nonpolyposis colorectal neoplasms. Last evaluated: 2025-11-18. Review status: criteria provided, single submitter. Criteria: Invitae Variant Classification Sherloc (09022015). Collection method: clinical testing. Allele origin: germline.

Molecular Pathology, Peter Maccallum Cancer Centre
Classification: Uncertain significance for Lynch syndrome 5. Last evaluated: 2025-04-16. Review status: criteria provided, single submitter. Criteria: ACMG Guidelines, 2015. Collection method: clinical testing. Allele origin: germline. Inheritance: Autosomal dominant inheritance.

Color Diagnostics, LLC DBA Color Health
Classification: Uncertain significance for Hereditary cancer-predisposing syndrome. Last evaluated: 2024-10-15. Review status: criteria provided, single submitter. Criteria: ACMG Guidelines, 2015. Collection method: clinical testing. Allele origin: germline.
Comment: This variant deletes three nucleotides in exon 8 resulting in an in-frame deletion of a glutamine in MSH6 protein. To our knowledge, functional studies have not been reported for this variant. This variant has been reported in an individual suspected of having Lynch syndrome (PMID: 25980754). This variant has been identified in 7/282588 chromosomes in the general population by the Genome Aggregation Database (gnomAD). The available evidence is insufficient to determine the role of this variant in disease conclusively. Therefore, this variant is classified as a Variant of Uncertain Significance.

Ambry Genetics
Classification: Uncertain significance for Hereditary cancer-predisposing syndrome. Last evaluated: 2024-05-23. Review status: criteria provided, single submitter. Criteria: Ambry Variant Classification Scheme 2023. Collection method: clinical testing. Allele origin: germline.
Comment: The c.3762_3764delAGA variant (also known as p.E1254del) is located in coding exon 8 of the MSH6 gene. This variant results from an in-frame AGA deletion at nucleotide positions 3762 to 3764. This results in the in-frame deletion of a glutamic acid at codon 1254. This alteration was identified in a cohort of 1260 individuals undergoing panel testing for Lynch syndrome due to having a diagnosis of a Lynch-associated cancer and/or polyps. (Yurgelun MB et al. Gastroenterology, 2015 Sep;149:604-13.e20). This amino acid position is well conserved in available vertebrate species. In addition, this alteration is predicted to be deleterious by in silico analysis (Choi Y et al. PLoS ONE. 2012; 7(10):e46688). Since supporting evidence is limited at this time, the clinical significance of this alteration remains unclear.

Blueprint Genetics
Classification: Uncertain significance. Last evaluated: 2023-12-18. Review status: criteria provided, single submitter. Criteria: ACMG Guidelines, 2015. Collection method: clinical testing. Allele origin: germline.

Women's Health and Genetics/Laboratory Corporation of America, LabCorp
Classification: Uncertain significance. Last evaluated: 2023-11-20. Review status: criteria provided, single submitter. Criteria: LabCorp Variant Classification Summary - May 2015. Collection method: clinical testing. Allele origin: germline.
Comment: Variant summary: MSH6 c.3762_3764delAGA (p.Glu1254del) results in an in-frame deletion that is predicted to remove one amino acid from the DNA mismatch repair protein MutS, C-terminal domian (IPR000432) of the encoded protein. The variant allele was found at a frequency of 2.4e-05 in 251190 control chromosomes. The available data on variant occurrences in the general population are insufficient to allow any conclusion about variant significance. c.3762_3764delAGA has been reported in the literature as a VUS in settings of multigene panel testing in one individual with a history of LS-associated cancer and/or colorectal polyps (Yurgelun_2015).. These report(s) do not provide unequivocal conclusions about association of the variant with Hereditary Nonpolyposis Colorectal Cancer/Lynch syndrome. To our knowledge, no experimental evidence demonstrating an impact on protein function has been reported. The following publication have been ascertained in the context of this evaluation (PMID: 25980754). Four submitters have cited clinical-significance assessments for this variant to ClinVar after 2014. All submitters classified the variant as uncertain significance. Based on the evidence outlined above, the variant was classified as uncertain significance.

Baylor Genetics
Classification: Uncertain significance for Endometrial carcinoma. Last evaluated: 2023-11-05. Review status: criteria provided, single submitter. Criteria: ACMG Guidelines, 2015. Collection method: clinical testing. Allele origin: unknown.

Quest Diagnostics Nichols Institute San Juan Capistrano
Classification: Uncertain significance. Last evaluated: 2023-10-12. Review status: criteria provided, single submitter. Criteria: Quest Diagnostics criteria. Collection method: clinical testing. Allele origin: unknown.

GeneDx
Classification: Uncertain significance. Last evaluated: 2018-03-21. Review status: criteria provided, single submitter. Criteria: GeneDx Variant Classification (06012015). Collection method: clinical testing. Allele origin: germline. Affected: yes.
Comment: This in-frame deletion of three nucleotides in MSH6 is denoted c.3762_3764delAGA at the cDNA level and p.Glu1254del (E1254del) at the protein level. The normal sequence, with the bases that are deleted in brackets, is TAGA[delAGA]TTAT. MSH6 Glu1254del, also defined as 3762del3 using alternate nomenclature, was observed in one individual who underwent clinical genetic testing for Lynch Syndrome (Yurgelun 2015). This variant was not observed at a significant allele frequency in large population cohorts (Lek 2016). This deletion of a single Glutamic Acid amino acid is located in the ATPase domain (Warren 2007, Kansikas 2011). In silico analysis, which includes protein predictors and evolutionary conservation, supports a deleterious effect. However, in the absence of RNA or functional studies, the actual effect of this variant is unknown. Since in-frame deletions may or may not inhibit proper protein functioning, the clinical significance of this finding remains unclear at this time and we consider MSH6 Glu1254del to be a variant of uncertain significance.

Literature cited by the submitters: PubMed 25980754 (cited by 4 submitters); PubMed 35449176 (cited by Quest Diagnostics Nichols Institute San Juan Capistrano).

NM_000179.3(MSH6):c.3759AGA[1] (p.Glu1254del)

Gene: MSH6 (mutS homolog 6; plus strand). Cytogenetic location: 2p16.3.
Variant type: Microsatellite.
Coding change: c.3759AGA[1] on transcript NM_000179.3 (MANE Select); one copy of the 3-base unit AGA starting at c.3759; the reference has two copies in a row; one copy, 3 bases deleted; also written c.3762_3764del.
Protein change: p.Glu1254del; deletes glutamic acid 1254.
Molecular consequence: inframe deletion.
Genome position (GRCh38, 1-based): chr2:47,806,319-47,806,321, AGA deleted; deleting any 3 consecutive bases within chr2:47,806,316-47,806,321 gives the same sequence; the position shown is the placement nearest the transcript's 3' end. VCF-style (leftmost placement, unchanged base first): chr2-47806315-TAGA-T. GRCh37 (hg19) VCF-style: chr2-48033454-TAGA-T.
Other names: c.3762_3764del (NM_000179.3); c.3762_3764delAGA (NM_000179.3, NM_000179.2); c.3369AGA[1], p.Glu1124del (NM_001281492.2); c.2853AGA[1], p.Glu952del (NM_001281493.2, NM_001281494.2); short protein forms E1254del, E952del, E1124del.
Identifiers: ClinVar variation 127592 (VCV000127592.23), dbSNP rs587779937, ClinGen allele CA014202.
Genomic context (GRCh38, chr2:47,806,315, plus strand): 5'-AAGAACTTGCTGAGACTATAAAATGTCGTACATTATTTTCAACTCACTACCATTCATTAG[TAGA>T]AGATTATTCTCAAAATGTTGCTGTGCGCCTAGGACATATGGTATGTGCAAATTGTTTTTT-3'